The following is an entry in ClinVar:

NM_002905.5(RDH5):c.608T>A (p.Val203Glu)

Genes: BLOC1S1-RDH5 (BLOC1S1-RDH5 readthrough; plus strand), CD63 (CD63 molecule; minus strand), RDH5 (retinol dehydrogenase 5; plus strand). Cytogenetic location: 12q13.2.
Variant type: single nucleotide variant.
Coding change: c.608T>A on transcript NM_002905.5 (MANE Select); coding-DNA position 608, T replaced by A.
Protein change: p.Val203Glu; replaces valine 203 with glutamic acid.
Molecular consequence: missense variant. On other transcripts: non-coding transcript variant (1), 3 prime UTR variant (2).
Genome position (GRCh38, 1-based): chr12:55,723,924, T>A. VCF-style: chr12-55723924-T-A. GRCh37 (hg19) VCF-style: chr12-56117708-T-A.
Other names: c.608T>A, p.Val203Glu (NM_001199771.3); c.*1140A>T (NM_001413284.1); c.*1155A>T (NM_001413285.1); short protein forms V203E.
Identifiers: ClinVar variation 1805000 (VCV001805000.1), dbSNP rs1877060557, ClinGen allele CA385201996.

ClinVar aggregate classification (germline): Uncertain significance (1 of 4 stars; one submission).

Conditions:
Pigmentary retinal dystrophy. Also called: Fundus albipunctatus. Identifiers: Orphanet 227796, Orphanet 52427, MedGen C0311338, MONDO:0007639, OMIM 136880, HP:0030642.

Submission:

Victorian Clinical Genetics Services, Murdoch Childrens Research Institute
Classification: Uncertain significance for Pigmentary retinal dystrophy. Last evaluated: 2021-05-06. Review status: criteria provided, single submitter. Criteria: ACMG Guidelines, 2015. Collection method: clinical testing. Allele origin: germline. Inheritance: Autosomal recessive inheritance. Affected: yes.
Comment: Based on the classification scheme VCGS_Germline_v1.3.4, this variant is classified as VUS-3B. Following criteria are met: 0102 - Loss of function is a known mechanism of disease in this gene and is associated with fundus albipunctatus (MIM#136880). (I) 0106 - This gene is associated with autosomal recessive disease. (I) 0115 - Variants in this gene are known to have variable expressivity. Varying degrees of macular involvement have been reported (PMID: 32232344, 21529959). (I) 0200 - Variant is predicted to result in a missense amino acid change from valine to glutamic acid. (I) 0252 - This variant is homozygous. (I) 0301 - Variant is absent from gnomAD (both v2 and v3). (SP) 0309 - An alternative amino acid change at the same position has been observed in gnomAD (v3: 26 heterozygotes, 0 homozygotes). (I) 0501 - Missense variant consistently predicted to be damaging by multiple in silico tools or highly conserved with a major amino acid change. (SP) 0600 - Variant is located in the annotated 17beta-hydroxysteroid dehydrogenase (NCBI). (I) 0705 - No comparable missense variants have previous evidence for pathogenicity. (I) 0807 - This variant has no previous evidence of pathogenicity. (I) 0905 - No published segregation evidence has been identified for this variant. (I) 1007 - No published functional evidence has been identified for this variant. (I) 1208 - Inheritance information for this variant is not currently available in this individual. (I) Legend: (SP) - Supporting pathogenic, (I) - Information, (SB) - Supporting benign

Literature cited by the submitters: PubMed 21529959; PubMed 32232344.